The following is an entry in ClinVar:

NM_000179.3(MSH6):c.291G>A (p.Trp97Ter)

Gene: MSH6 (mutS homolog 6; plus strand). Cytogenetic location: 2p16.3.
Variant type: single nucleotide variant.
Coding change: c.291G>A on transcript NM_000179.3 (MANE Select); coding-DNA position 291, G replaced by A.
Protein change: p.Trp97Ter; replaces tryptophan 97 with a stop codon.
Molecular consequence: nonsense. On other transcripts: 5 prime UTR variant (21), non-coding transcript variant (5), intron variant (5).
Genome position (GRCh38, 1-based): chr2:47,790,957, G>A. VCF-style: chr2-47790957-G-A. GRCh37 (hg19) VCF-style: chr2-48018096-G-A.
Other names: c.-446G>A (NM_001281493.2, NM_001406811.1, NM_001406823.1 and 1 more transcripts); c.-612G>A (NM_001281494.2); c.387G>A, p.Trp129Ter (NM_001406795.1, NM_001406802.1); c.291G>A, p.Trp97Ter (NM_001406796.1, NM_001406798.1, NM_001406800.1 and 6 more transcripts); c.-7G>A (NM_001406797.1, NM_001406801.1, NM_001406805.1 and 10 more transcripts); c.213G>A, p.Trp71Ter (NM_001406804.1); c.-638G>A (NM_001406807.1); c.-293G>A (NM_001406812.1); and 6 more; short protein forms W129*, W97*, W41*, W71*.
Identifiers: ClinVar variation 2453175 (VCV002453175.2), dbSNP rs1572708589, ClinGen allele CA346736646.

ClinVar aggregate classification (germline): Pathogenic (1 of 4 stars; one submission).

Conditions:
Hereditary cancer-predisposing syndrome. Also called: Neoplastic Syndromes, Hereditary; Tumor predisposition; Hereditary neoplastic syndrome; Hereditary Cancer Syndrome. Identifiers: Orphanet 140162, MedGen C0027672, MeSH D009386, MONDO:0015356.

Submission:

Ambry Genetics
Classification: Pathogenic for Hereditary cancer-predisposing syndrome. Last evaluated: 2022-12-27. Review status: criteria provided, single submitter. Criteria: Ambry Variant Classification Scheme 2023. Collection method: clinical testing. Allele origin: germline.
Comment: The p.W97* pathogenic mutation (also known as c.291G>A), located in coding exon 2 of the MSH6 gene, results from a G to A substitution at nucleotide position 291. This changes the amino acid from a tryptophan to a stop codon within coding exon 2. This variant is considered to be rare based on population cohorts in the Genome Aggregation Database (gnomAD). This alteration is expected to result in loss of function by premature protein truncation or nonsense-mediated mRNA decay. As such, this alteration is interpreted as a disease-causing mutation.